The following is an entry in ClinVar:

ClinVar aggregate classification (germline): Uncertain significance (1 of 4 stars; one submission).

Submission:

GeneDx
Classification: Uncertain significance. Last evaluated: 2024-11-04. Review status: criteria provided, single submitter. Criteria: GeneDx Variant Classification Process June 2021. Collection method: clinical testing. Allele origin: germline. Affected: yes.
Comment: In silico analysis supports a deleterious effect on protein structure/function; Has not been previously published as pathogenic or benign to our knowledge

NM_000545.8(HNF1A):c.262_263delinsTT (p.Glu88Leu)

Gene: HNF1A (HNF1 homeobox A; plus strand). Cytogenetic location: 12q24.31.
Variant type: Indel.
Coding change: c.262_263delinsTT on transcript NM_000545.8 (MANE Select); coding-DNA positions 262 to 263, GA replaced by TT.
Protein change: p.Glu88Leu; replaces glutamic acid 88 with leucine.
Molecular consequence: missense variant.
Genome position (GRCh38, 1-based): chr12:120,979,030-120,979,031, GA replaced by TT. VCF-style: chr12-120979030-GA-TT. GRCh37 (hg19) VCF-style: chr12-121416833-GA-TT.
Other names: c.262_263delGAinsTT, p.Glu88Leu (NM_000545.5); c.262_263delinsTT, p.Glu88Leu (NM_001306179.2, NM_001406915.1); short protein forms E88L.
Identifiers: ClinVar variation 3897225 (VCV003897225.1).